The following is an entry in ClinVar:

NM_001009944.3(PKD1):c.8897_8898del (p.Glu2966fs)

Gene: PKD1 (polycystin 1, transient receptor potential channel interacting; minus strand). Cytogenetic location: 16p13.3.
Variant type: Microsatellite.
Coding change: c.8897_8898del on transcript NM_001009944.3 (MANE Select); coding-DNA positions 8897 to 8898, 2 bases deleted (AG; older notation c.8897_8898delAG).
Protein change: p.Glu2966fs; shifts the reading frame from glutamic acid 2966.
Molecular consequence: frameshift variant.
Genome position (GRCh38, 1-based): chr16:2,102,864-2,102,865, CT deleted on the plus strand (AG on the coding strand, the reverse complement: PKD1 is on the minus strand); deleting any 2 consecutive bases within chr16:2,102,864-2,102,867 gives the same sequence; the c. name uses the placement nearest the transcript's 3' end. VCF-style (leftmost placement, unchanged base first): chr16-2102863-ACT-A. GRCh37 (hg19) VCF-style: chr16-2152864-ACT-A.
Other names: c.8897_8898del, p.Glu2966fs (NM_000296.4); c.8897_8898delAG (NM_001009944.3); short protein forms E2966fs.
Identifiers: ClinVar variation 974535 (VCV000974535.2), dbSNP rs2092154654, ClinGen allele CA2202019116.

ClinVar aggregate classification (germline): Pathogenic. Review status: criteria provided, multiple submitters, no conflicts (2 of 4 stars). 2 submissions from 2 submitters: Pathogenic (2). Last evaluated 2025-07-07.

Conditions:
Polycystic kidney disease, adult type (PKD1). Also called: Polycystic Kidney Disease 1, Autosomal Dominant; Polycystic kidney disease 1; Polycystic kidney disease 1, severe; Polycystic Kidney, Autosomal Dominant; POLYCYSTIC KIDNEY DISEASE 1 WITH OR WITHOUT POLYCYSTIC LIVER DISEASE; POLYCYSTIC KIDNEY DISEASE, ADULT, TYPE I. Identifiers: MedGen C3149841, MONDO:0008263, OMIM 173900.

Submissions (2):

Women's Health and Genetics/Laboratory Corporation of America, LabCorp
Classification: Pathogenic for Polycystic kidney disease, adult type. Last evaluated: 2025-07-07. Review status: criteria provided, single submitter. Criteria: LabCorp Variant Classification Summary - May 2015. Collection method: clinical testing. Allele origin: germline.
Comment: Variant summary: PKD1 c.8897_8898delAG (p.Glu2966ValfsX6) results in a premature termination codon, predicted to cause a truncation of the encoded protein or absence of the protein due to nonsense mediated decay, which are commonly known mechanisms for disease. The frequency data for this variant in gnomAD is considered unreliable, as metrics indicate poor data quality at this position. c.8897_8898delAG has been observed in an individual(s) affected with Polycystic Kidney Disease 1 (e.g., Bullich_2018). To our knowledge, no experimental evidence demonstrating an impact on protein function has been reported. The following publication has been ascertained in the context of this evaluation (PMID: 29801666). ClinVar contains an entry for this variant (Variation ID: 974535). Based on the evidence outlined above, the variant was classified as pathogenic.

Molecular Biology Laboratory, Fundació Puigvert
Classification: Pathogenic for Polycystic kidney disease, adult type. Last evaluated: 2020-02-01. Review status: criteria provided, single submitter. Criteria: ACMG Guidelines, 2015. Collection method: research. Allele origin: germline. Affected: yes. Study: KidneyPanel_2020.

Literature cited by the submitters: PubMed 29801666 (cited by Women's Health and Genetics/Laboratory Corporation of America, LabCorp); PubMed 33532864 (cited by Molecular Biology Laboratory, Fundació Puigvert).